The following is an entry in ClinVar:

NM_175914.5(HNF4A):c.187C>T (p.Arg63Trp)

Gene: HNF4A (hepatocyte nuclear factor 4 alpha; plus strand). Cytogenetic location: 20q13.12.
Variant type: single nucleotide variant.
Coding change: c.187C>T on transcript NM_175914.5 (MANE Select); coding-DNA position 187, C replaced by T.
Protein change: p.Arg63Trp; replaces arginine 63 with tryptophan.
Molecular consequence: missense variant.
Genome position (GRCh38, 1-based): chr20:44,406,195, C>T. VCF-style: chr20-44406195-C-T. GRCh37 (hg19) VCF-style: chr20-43034835-C-T.
Other names: R76W; NM_175914.5(HNF4A):c.187C>T; p.Arg63Trp; c.253C>T, p.Arg85Trp (NM_000457.6, NM_178849.3, NM_178850.3); c.187C>T, p.Arg63Trp (NM_001030003.3, NM_001030004.3); c.232C>T, p.Arg78Trp (NM_001258355.2); c.178C>T, p.Arg60Trp (NM_001287182.2, NM_001287183.2, NM_001287184.2); short protein forms R60W, R63W, R85W, R78W.
Identifiers: ClinVar variation 156152 (VCV000156152.37), dbSNP rs587777732, ClinGen allele CA170773.
Genomic context (GRCh38, chr20:44,406,195, plus strand): 5'-GACCGGGCCACGGGCAAACACTACGGTGCCTCGAGCTGTGACGGCTGCAAGGGCTTCTTC[C>T]GGAGGAGCGTGCGGAAGAACCACATGTACTCCTGCAGGTGAGGAGCCTCAATTTCTTCAG-3'
Protein context (NP_787110.2, residues 53-73): SSCDGCKGFF[Arg63Trp]RSVRKNHMYS

ClinVar aggregate classification (germline): Pathogenic. Review status: reviewed by expert panel (3 of 4 stars). 17 submissions from 16 submitters: Pathogenic (1). 16 of the submissions do not count toward it. Last evaluated 2024-04-05.

Conditions:
HNF4A-related disorders.
Monogenic diabetes. Identifiers: Orphanet 183625, MedGen C3888631, MONDO:0015967.
Maturity-onset diabetes of the young type 1. Also called: MODY type 1; Diabetes mellitus MODY type 1; MODY HNF4A related; HNF4A-Related Maturity-Onset Diabetes of the Young Type 1; MILD JUVENILE DIABETES MELLITUS; MODY, type I. Identifiers: Orphanet 552, MedGen C1852093, MONDO:0007452, OMIM 125850. Disease mechanism: loss of function.
Fanconi renotubular syndrome 4 with maturity-onset diabetes of the young (FRTS4). Also called: FRTS4 WITH MODY. Identifiers: Orphanet 93111, MedGen C4014962, MONDO:0014458, OMIM 616026.
Type 2 diabetes mellitus. Also called: Type II diabetes mellitus. Identifiers: MedGen C0011860, MeSH D003924, MONDO:0005148, OMIM 125853, HP:0005978.
Maturity-onset diabetes of the young (MODY). Also called: Maturity onset diabetes mellitus in young. Identifiers: Orphanet 552, MedGen C0342276, MONDO:0018911, HP:0004904.
Hyperinsulinemia. Also called: Hyperinsulinism. Identifiers: MedGen C0020459, MONDO:0002177, HP:0000842.

Submissions 1 to 9 of 17:

ClinGen Monogenic Diabetes Variant Curation Expert Panel
Classification: Pathogenic for Monogenic diabetes. Last evaluated: 2024-04-05. Review status: reviewed by expert panel. Criteria: ClinGen Diabetes ACMG Specifications HNF4A V2.0.0. Collection method: curation. Allele origin: germline. Inheritance: Autosomal dominant inheritance.
Comment: The c.187C>T variant in the hepatocyte nuclear factor 4-alpha gene, HNF4A, causes an amino acid change of arginine to tryptophan at codon 63 (p.(Arg63Trp) of NM_175914.5. This variant is absent in gnomAD v2.1.1 (PM2_Supporting), and was identified in 21 unrelated individuals with non- autoimmune and non-absolute/near-absolute insulin-deficient diabetes (PS4; PMID: 24285859, 25819479, 28693455, internal lab contributors). This variant segregated with diabetes, with at least 7 meioses in 4 families (PP1_Strong, PMID: 24285859, 28693455, internal lab contributors). At least 6 individuals have a clinical history highly specific for HNF4A-MODY (MODY probability calculator result >50%, negative genetic testing for HNF1A, and Fanconi phenotype) (PP4_Moderate; internal lab contributors). Additionally, this variant was identified as a de novo occurrence with both confirmed and unconfirmed parental relationships in 5 individual(s) with a clinical picture consistent with HNF4A-MODY (MODY probability calculator result >50% and negative genetic testing for HNF1A) (PS2_Very Strong; internal lab contributor, PMID: 24285859, 25819479). This variant resides in an amino acid within the HNF4alpha DNA binding domain that directly binds DNA, which is defined as critical for the protein’s function by the ClinGen MDEP (PM1). It is also predicted to be deleterious by computational evidence, with a REVEL score of 0.949, which is greater than the MDEP VCEP threshold of 0.70 (PP3). Lastly, another missense variant, c.188G>A (p.Arg63Gln), has been interpreted as pathogenic by the ClinGen MDEP, and p.Arg63Trp has a greater Grantham distance (PM5). In summary, c.187C>T meets the criteria to be classified as pathogenic for monogenic diabetes. ACMG/AMP criteria applied, as specified by the ClinGen MDEP (specification version 2.0.0, approved 10/11/2023): PS2_Very strong, PP1_Strong, PS4, PP4_Moderate, PM1, PP3, PM2_Supporting, PM5_Supporting.

Genomic Medicine Center of Excellence, King Faisal Specialist Hospital and Research Centre
Classification: Pathogenic for MODY1. Last evaluated: 2026-01-01. Review status: criteria provided, single submitter. Criteria: ACMG Guidelines, 2015. Collection method: clinical testing. Allele origin: germline. Affected: yes. Not counted in ClinVar's aggregate classification.

3billion
Classification: Pathogenic for Fanconi renotubular syndrome 4 with maturity-onset diabetes of the young. Last evaluated: 2025-06-25. Review status: criteria provided, single submitter. Criteria: ACMG Guidelines, 2015. Collection method: clinical testing. Allele origin: germline. Affected: yes. Not counted in ClinVar's aggregate classification.
Comment: The variant is not observed in the gnomAD v4.1.0 dataset. Predicted Consequence/Location: Missense variant Functional studies provide strong evidence of the variant having a damaging effect on the gene or gene product (PMID: 31875549). In silico tool predictions suggest damaging effect of the variant on gene or gene product [REVEL: 0.95 (>=0.6, sensitivity 0.68 and specificity 0.92); 3Cnet: 0.99 (> 0.75, sensitivity 0.96 and precision 0.92)]. The same nucleotide change resulting in the same amino acid change has been previously reported as pathogenic/likely pathogenic with strong evidence (ClinVar ID: VCV000156152 /PMID: 20164212 /3billion dataset). The variant has been observed in multiple (>3) similarly affected unrelated individuals (PMID: 20164212, 24285859, 27245055, 28458902, 28693455, 30005691, 31875549). A different missense change at the same codon (p.Arg63Gln) has been reported as pathogenic/likely pathogenic with strong evidence (ClinVar ID: VCV000372382 /PMID: 23348805). Therefore, this variant is classified as Pathogenic according to the recommendation of ACMG/AMP guideline.

Rare Kidney Stone Consortium and the Mayo Clinic Hyperoxaluria Center, Mayo Clinic
Classification: Pathogenic for Fanconi renotubular syndrome 4 with maturity-onset diabetes of the young. Last evaluated: 2025-05-01. Review status: criteria provided, single submitter. Criteria: ACMG Guidelines, 2015. Collection method: research. Allele origin: germline. Affected: yes. Observed: 2 variant alleles. Not counted in ClinVar's aggregate classification.
Comment: ACMG: PS1, PS4, PM1,PP4

2 x unrelated monoallelic cases

Victorian Clinical Genetics Services, Murdoch Childrens Research Institute
Classification: Pathogenic for Fanconi renotubular syndrome 4 with maturity-onset diabetes of the young. Last evaluated: 2024-10-08. Review status: criteria provided, single submitter. Criteria: ACMG Guidelines, 2015. Collection method: clinical testing. Allele origin: germline. Inheritance: Autosomal dominant inheritance. Affected: yes. Not counted in ClinVar's aggregate classification.
Comment: Based on the classification scheme VCGS_Germline_v1.3.4, this variant is classified as Pathogenic. Following criteria are met: 0103 - Loss of function and dominant negative are known mechanisms of disease in this gene. Loss of function through a reduction of DNA binding is associated with MODY, type I (MIM#125850) and diabetes mellitus, noninsulin-dependent (MIM#125853) (OMIM; PMID: 31875549). Dominant negative is associated with Fanconi renotubular syndrome 4, with maturity-onset diabetes of the young (MIM#616026) (PMID: 31875549). (I) 0107 - This gene is associated with autosomal dominant disease. (I) 0112 - The condition associated with this gene has incomplete penetrance (PMID: 36257325). (I) 0200 - Variant is predicted to result in a missense amino acid change from arginine to tryptophan. (I) 0251 - This variant is heterozygous. (I) 0301 - Variant is absent from gnomAD (both v2 and v3). (SP) 0501 - Missense variant consistently predicted to be damaging by multiple in silico tools or highly conserved with a major amino acid change. (SP) 0603 - Missense variant in a region that is highly intolerant to missense variation (high constraint region in DECIPHER). (SP) 0801 - This variant has strong previous evidence of pathogenicity in unrelated individuals. This variant has frequently been reported as pathogenic in ClinVar and has been observed as heterozygous in multiple families and unrelated individuals with Fanconi syndrome (PMID: 24285859; PMID: 30005691). (SP) 1002 - This variant has moderate functional evidence supporting abnormal protein function (PMID:31875549). (SP) 1208 - Inheritance information for this variant is not currently available in this individual. (I) Legend: (SP) - Supporting pathogenic, (I) - Information, (SB) - Supporting benign

Fulgent Genetics
Classification: Pathogenic for Maturity-onset diabetes of the young type 1; Type 2 diabetes mellitus; Fanconi renotubular syndrome 4 with maturity-onset diabetes of the young. Last evaluated: 2024-05-11. Review status: criteria provided, single submitter. Criteria: ACMG Guidelines, 2015. Collection method: clinical testing. Allele origin: germline. Not counted in ClinVar's aggregate classification.

Baylor Genetics
Classification: Pathogenic for Fanconi renotubular syndrome 4 with maturity-onset diabetes of the young. Last evaluated: 2023-09-22. Review status: criteria provided, single submitter. Criteria: ACMG Guidelines, 2015. Collection method: clinical testing. Allele origin: unknown. Not counted in ClinVar's aggregate classification.

GeneDx
Classification: Pathogenic. Last evaluated: 2022-07-29. Review status: criteria provided, single submitter. Criteria: GeneDx Variant Classification Process June 2021. Collection method: clinical testing. Allele origin: germline. Affected: yes. Not counted in ClinVar's aggregate classification.
Comment: Published functional studies demonstrate a damaging effect for variant described as R85W, using alternate nomenclature; corresponding variant in transfected cells (Drosophila nephrocytes) showed lipid metabolism defects and mitochondrial dysfunction in a dominant-negative manner; Not observed at significant frequency in large population cohorts (gnomAD); In silico analysis, which includes protein predictors and evolutionary conservation, supports a deleterious effect; Reported as R76W using alternate nomenclature; This variant is associated with the following publications: (PMID: 20164212, 22802087, 25819479, 24285859, 27245055, 28693455, 28458902, 30005691, 29493090, 31949432, 31618753, 32960281, 31216405, 33251707, 31875549)

Blueprint Genetics
Classification: Pathogenic for HNF4A-related disorders. Last evaluated: 2022-02-17. Review status: criteria provided, single submitter. Criteria: ACMG Guidelines, 2015. Collection method: clinical testing. Allele origin: germline. Affected: yes. Observed: 2 variant alleles. Not counted in ClinVar's aggregate classification.